The following is an entry in ClinVar:

ClinVar aggregate classification (germline): Likely benign. Review status: criteria provided, multiple submitters, no conflicts (2 of 4 stars). 3 submissions from 3 submitters: Likely benign (3). Last evaluated 2026-01-09.

Conditions:
Hereditary cancer-predisposing syndrome. Also called: Tumor predisposition; Hereditary Cancer Syndrome; Neoplastic Syndromes, Hereditary; Hereditary neoplastic syndrome. Identifiers: Orphanet 140162, MedGen C0027672, MeSH D009386, MONDO:0015356.
Familial thoracic aortic aneurysm and aortic dissection (TAAD). Also called: Thoracic aortic aneurysms and dissections. Identifiers: Orphanet 91387, MedGen C4707243, MONDO:0019625.
Juvenile polyposis syndrome (JPS). Identifiers: Orphanet 2929, MedGen C0345893, MONDO:0017380, OMIM 174900.
SMAD4-related disorder. Also called: SMAD4-related condition; SMAD4-Related disorders.

Submissions (3):

PreventionGenetics, part of Exact Sciences
Classification: Likely benign for SMAD4-related condition. Last evaluated: 2026-01-09. Review status: criteria provided, single submitter. Criteria: ACMG Guidelines, 2015. Collection method: clinical testing. Allele origin: germline.
Comment: This variant is classified as likely benign based on ACMG/AMP sequence variant interpretation guidelines (Richards et al. 2015 PMID: 25741868, with internal and published modifications).

Ambry Genetics
Classification: Likely benign for Hereditary cancer-predisposing syndrome; Familial thoracic aortic aneurysm and aortic dissection. Last evaluated: 2024-10-22. Review status: criteria provided, single submitter. Criteria: Ambry Variant Classification Scheme 2023. Collection method: clinical testing. Allele origin: germline.

Labcorp Genetics (formerly Invitae), Labcorp
Classification: Likely benign for Juvenile polyposis syndrome. Last evaluated: 2024-04-29. Review status: criteria provided, single submitter. Criteria: Invitae Variant Classification Sherloc (09022015). Collection method: clinical testing. Allele origin: germline.

NM_005359.6(SMAD4):c.132A>T (p.Val44=)

Gene: SMAD4 (SMAD family member 4; plus strand). Cytogenetic location: 18q21.2.
Variant type: single nucleotide variant.
Coding change: c.132A>T on transcript NM_005359.6 (MANE Select); coding-DNA position 132, A replaced by T.
Protein change: p.Val44=; no amino-acid change (valine 44 retained).
Molecular consequence: synonymous variant.
Genome position (GRCh38, 1-based): chr18:51,047,178, A>T. VCF-style: chr18-51047178-A-T. GRCh37 (hg19) VCF-style: chr18-48573548-A-T.
Other names: c.132A>T (NM_005359.5).
Identifiers: ClinVar variation 1132954 (VCV001132954.11), dbSNP rs965942065, ClinGen allele CA503873451.